The following is an entry in ClinVar:

ClinVar aggregate classification (germline): Uncertain significance (1 of 4 stars; one submission).

Conditions:
Arrhythmogenic right ventricular dysplasia 9 (ARVD9). Also called: ARRHYTHMOGENIC RIGHT VENTRICULAR DYSPLASIA, FAMILIAL, 9; Arrhythmogenic Right Ventricular Dysplasia/Cardiomyopathy 9. Identifiers: MedGen C1836906, MONDO:0012180, OMIM 609040.

Submission:

Labcorp Genetics (formerly Invitae), Labcorp
Classification: Uncertain significance for Arrhythmogenic right ventricular dysplasia 9. Last evaluated: 2022-10-21. Review status: criteria provided, single submitter. Criteria: Invitae Variant Classification Sherloc (09022015). Collection method: clinical testing. Allele origin: germline.
Comment: This variant is not present in population databases (gnomAD no frequency). This sequence change replaces leucine, which is neutral and non-polar, with proline, which is neutral and non-polar, at codon 262 of the PKP2 protein (p.Leu262Pro). This variant has not been reported in the literature in individuals affected with PKP2-related conditions. In summary, the available evidence is currently insufficient to determine the role of this variant in disease. Therefore, it has been classified as a Variant of Uncertain Significance. Algorithms developed to predict the effect of missense changes on protein structure and function (SIFT, PolyPhen-2, Align-GVGD) all suggest that this variant is likely to be tolerated.

NM_001005242.3(PKP2):c.785T>C (p.Leu262Pro)

Gene: PKP2 (plakophilin 2; minus strand). Cytogenetic location: 12p11.21.
Variant type: single nucleotide variant.
Coding change: c.785T>C on transcript NM_001005242.3 (MANE Select); coding-DNA position 785, T replaced by C.
Protein change: p.Leu262Pro; replaces leucine 262 with proline.
Molecular consequence: missense variant.
Genome position (GRCh38, 1-based): chr12:32,878,095, A>G on the plus strand (T>C on the coding strand, the complement: PKP2 is on the minus strand). VCF-style: chr12-32878095-A-G. GRCh37 (hg19) VCF-style: chr12-33031029-A-G.
Other names: c.785T>C, p.Leu262Pro (NM_001407155.1, NM_001407156.1, NM_001407157.1 and 2 more transcripts); c.458T>C, p.Leu153Pro (NM_001407158.1, NM_001407159.1, NM_001407160.1 and 1 more transcripts); short protein forms L153P, L262P.
Identifiers: ClinVar variation 1721176 (VCV001721176.5), dbSNP rs2541339735, ClinGen allele CA384362507.
Genomic context (GRCh38, chr12:32,878,095, plus strand): 5'-TGAGTGACGGGCTGCAGGGGCACCAGCGGCCTGACCTGCCCGACAGTGAGCCCTGCCGTC[A>G]GGTAGTTCTCCTTCTCCAAGAGGTTGCCCATGCTGCGGCTGGTCCCTGGCCTGGGGTACG-3'
Protein context (NP_001005242.2, residues 252-272): MGNLLEKENY[Leu262Pro]TAGLTVGQVR